The following is an entry in ClinVar:

NM_031935.3(HMCN1):c.4373A>G (p.Asn1458Ser)

Gene: HMCN1 (hemicentin 1; plus strand). Cytogenetic location: 1q31.1.
Variant type: single nucleotide variant.
Coding change: c.4373A>G on transcript NM_031935.3 (MANE Select); coding-DNA position 4373, A replaced by G.
Protein change: p.Asn1458Ser; replaces asparagine 1458 with serine.
Molecular consequence: missense variant.
Genome position (GRCh38, 1-based): chr1:186,003,742, A>G. VCF-style: chr1-186003742-A-G. GRCh37 (hg19) VCF-style: chr1-185972874-A-G.
Other names: short protein forms N1458S.
Identifiers: ClinVar variation 874624 (VCV000874624.11), dbSNP rs757430423, ClinGen allele CA1291986.

ClinVar aggregate classification (germline): Conflicting classifications of pathogenicity. Review status: criteria provided, conflicting classifications (1 of 4 stars). 4 submissions from 4 submitters: Uncertain significance (3); Likely benign (1). Last evaluated 2025-11-06.

Conditions:
Age related macular degeneration 1 (ARMD1). Also called: MACULOPATHY, AGE-RELATED, 1. Identifiers: MedGen C1864205, MONDO:0011285, OMIM 603075.

Allele frequency attached by ClinVar (database versions not stated): gnomAD exomes 0.00004 and 0.00007; TOPMed 0.00005; ExAC 0.00006; gnomAD 0.00010 and 0.00011.
gnomAD v4.1: 76 of 1,613,194 alleles (0.0047%); highest among the groups gnomAD compares: Admixed American, 0.01%; no homozygotes.

Submissions (4):

Labcorp Genetics (formerly Invitae), Labcorp
Classification: Uncertain significance. Last evaluated: 2025-11-06. Review status: criteria provided, single submitter. Criteria: Invitae Variant Classification Sherloc (09022015). Collection method: clinical testing. Allele origin: germline.
Comment: This sequence change replaces asparagine, which is neutral and polar, with serine, which is neutral and polar, at codon 1458 of the HMCN1 protein (p.Asn1458Ser). This variant is present in population databases (rs757430423, gnomAD 0.04%). This variant has not been reported in the literature in individuals affected with HMCN1-related conditions. ClinVar contains an entry for this variant (Variation ID: 874624). An algorithm developed to predict the effect of missense changes on protein structure and function outputs the following: PolyPhen-2: "Benign". The serine amino acid residue is found in multiple mammalian species, which suggests that this missense change does not adversely affect protein function. In summary, the available evidence is currently insufficient to determine the role of this variant in disease. Therefore, it has been classified as a Variant of Uncertain Significance.

Ambry Genetics
Classification: Likely benign. Last evaluated: 2024-01-03. Review status: criteria provided, single submitter. Criteria: Ambry Variant Classification Scheme 2023. Collection method: clinical testing. Allele origin: germline.

Genome-Nilou Lab
Classification: Uncertain significance for Age related macular degeneration 1. Last evaluated: 2023-04-11. Review status: criteria provided, single submitter. Criteria: ACMG Guidelines, 2015. Collection method: clinical testing. Allele origin: germline. Affected: no.

Illumina Laboratory Services, Illumina
Classification: Uncertain significance for Age related macular degeneration 1. Last evaluated: 2018-01-12. Review status: criteria provided, single submitter. Criteria: ICSL Variant Classification Criteria 13 December 2019. Collection method: clinical testing. Allele origin: germline.